The following is an entry in ClinVar:

ClinVar aggregate classification (germline): Conflicting classifications of pathogenicity. Review status: criteria provided, conflicting classifications (1 of 4 stars). 8 submissions from 8 submitters: Uncertain significance (1); Likely benign (5). 2 of the submissions do not count toward it. Last evaluated 2026-01-18.

Conditions:
GNE-related disorder. Also called: GNE-related condition.
GNE myopathy (NM). Also called: MYOPATHY, DISTAL, WITH OR WITHOUT RIMMED VACUOLES; NONAKA DISTAL MYOPATHY; INCLUSION BODY MYOPATHY, HEREDITARY, AUTOSOMAL RECESSIVE; INCLUSION BODY MYOPATHY 2, AUTOSOMAL RECESSIVE; IBM 2; Inclusion body myopathy autosomal recessive. Identifiers: Orphanet 602, MedGen C1853926, MONDO:0011603, OMIM 605820.
Sialuria. Also called: SIALURIA, FRENCH TYPE; Sialic Acid Storage Disease. Identifiers: Orphanet 3166, MedGen C0342853, MONDO:0010028, OMIM 269921.

Allele frequency attached by ClinVar (database versions not stated): ExAC 0.00012; ESP Exome Variant Server 0.00015; gnomAD exomes 0.00016 and 0.00026; gnomAD 0.00023 and 0.00025; TOPMed 0.00024.
gnomAD v4.1: 418 of 1,613,624 alleles (0.026%); highest among the groups gnomAD compares: Middle Eastern, 0.033%; no homozygotes.

Submissions (8):

Labcorp Genetics (formerly Invitae), Labcorp
Classification: Likely benign for Sialuria; GNE myopathy. Last evaluated: 2026-01-18. Review status: criteria provided, single submitter. Criteria: Invitae Variant Classification Sherloc (09022015). Collection method: clinical testing. Allele origin: germline.

Women's Health and Genetics/Laboratory Corporation of America, LabCorp
Classification: Likely benign. Last evaluated: 2025-09-24. Review status: criteria provided, single submitter. Criteria: LabCorp Variant Classification Summary - May 2015. Collection method: clinical testing. Allele origin: germline.

Laboratory of Genetics, Children's Clinical University Hospital Latvia
Classification: Likely benign. Last evaluated: 2025-02-16. Review status: criteria provided, single submitter. Criteria: ACMG Guidelines, 2015. Collection method: clinical testing. Allele origin: germline. Affected: yes.

Blueprint Genetics
Classification: Likely benign. Last evaluated: 2024-07-29. Review status: criteria provided, single submitter. Criteria: ACMG Guidelines, 2015. Collection method: clinical testing. Allele origin: germline.

GeneDx
Classification: Likely benign. Last evaluated: 2017-11-07. Review status: criteria provided, single submitter. Criteria: GeneDx Variant Classification (06012015). Collection method: clinical testing. Allele origin: germline. Affected: yes.
Comment: This variant is considered likely benign or benign based on one or more of the following criteria: it is a conservative change, it occurs at a poorly conserved position in the protein, it is predicted to be benign by multiple in silico algorithms, and/or has population frequency not consistent with disease.

Eurofins Ntd Llc (ga)
Classification: Uncertain significance. Last evaluated: 2016-09-23. Review status: criteria provided, single submitter. Criteria: EGL Classification Definitions 2015. Collection method: clinical testing. Allele origin: germline. Observed: 3 variant alleles, 3 heterozygotes.

PreventionGenetics, part of Exact Sciences
Classification: Likely benign for GNE-related condition. Last evaluated: 2020-01-07. Review status: no assertion criteria provided. Collection method: clinical testing. Allele origin: germline. Not counted in ClinVar's aggregate classification.
Comment: This variant is classified as likely benign based on ACMG/AMP sequence variant interpretation guidelines (Richards et al. 2015 PMID: 25741868, with internal and published modifications).

Natera, Inc.
Classification: Likely benign for Nonaka myopathy. Last evaluated: 2020-01-02. Review status: no assertion criteria provided. Collection method: clinical testing. Allele origin: germline. Not counted in ClinVar's aggregate classification.

NM_005476.7(GNE):c.843C>T (p.His281=)

Gene: GNE (glucosamine (UDP-N-acetyl)-2-epimerase/N-acetylmannosamine kinase; minus strand). Cytogenetic location: 9p13.3.
Variant type: single nucleotide variant.
Coding change: c.843C>T on transcript NM_005476.7 (MANE Select); coding-DNA position 843, C replaced by T.
Protein change: p.His281=; no amino-acid change (histidine 281 retained).
Molecular consequence: synonymous variant.
Genome position (GRCh38, 1-based): chr9:36,234,059, G>A on the plus strand (C>T on the coding strand, the complement: GNE is on the minus strand). VCF-style: chr9-36234059-G-A. GRCh37 (hg19) VCF-style: chr9-36234056-G-A.
Other names: c.936C>T, p.His312= (NM_001128227.3); c.843C>T, p.His281= (NM_001190383.3); c.513C>T, p.His171= (NM_001190384.3); c.666C>T, p.His222= (NM_001190388.2, NM_001374798.1); c.690C>T, p.His230= (NM_001374797.1).
Identifiers: ClinVar variation 283937 (VCV000283937.21), dbSNP rs138694766, ClinGen allele CA5056647.